The following is an entry in ClinVar:

ClinVar aggregate classification (germline): Uncertain significance (1 of 4 stars; one submission).

Conditions:
Autosomal recessive limb-girdle muscular dystrophy type 2Y (MRRSDC). Also called: Muscular dystrophy, autosomal recessive, with rigid spine and distal joint contractures; Muscular dystrophy, limb-girdle, type 2y. Identifiers: Orphanet 424261, MedGen C4511482, MONDO:0014900, OMIM 617072.

Submission:

Labcorp Genetics (formerly Invitae), Labcorp
Classification: Uncertain significance for Autosomal recessive limb-girdle muscular dystrophy type 2Y. Last evaluated: 2022-08-09. Review status: criteria provided, single submitter. Criteria: Invitae Variant Classification Sherloc (09022015). Collection method: clinical testing. Allele origin: germline.
Comment: In summary, the available evidence is currently insufficient to determine the role of this variant in disease. Therefore, it has been classified as a Variant of Uncertain Significance. Algorithms developed to predict the effect of missense changes on protein structure and function (SIFT, PolyPhen-2, Align-GVGD) all suggest that this variant is likely to be tolerated. ClinVar contains an entry for this variant (Variation ID: 1442155). This variant has not been reported in the literature in individuals affected with TOR1AIP1-related conditions. This variant is not present in population databases (gnomAD no frequency). This sequence change replaces serine, which is neutral and polar, with leucine, which is neutral and non-polar, at codon 173 of the TOR1AIP1 protein (p.Ser173Leu).

NM_015602.4(TOR1AIP1):c.518C>T (p.Ser173Leu)

Gene: TOR1AIP1 (torsin 1A interacting protein 1; plus strand). Cytogenetic location: 1q25.2.
Variant type: single nucleotide variant.
Coding change: c.518C>T on transcript NM_015602.4 (MANE Select); coding-DNA position 518, C replaced by T.
Protein change: p.Ser173Leu; replaces serine 173 with leucine.
Molecular consequence: missense variant.
Genome position (GRCh38, 1-based): chr1:179,884,734, C>T. VCF-style: chr1-179884734-C-T. GRCh37 (hg19) VCF-style: chr1-179853869-C-T.
Other names: c.518C>T, p.Ser173Leu (NM_001267578.2); short protein forms S173L.
Identifiers: ClinVar variation 1442155 (VCV001442155.4), dbSNP rs2148469972, ClinGen allele CA343579321.
Genomic context (GRCh38, chr1:179,884,734, plus strand): 5'-GTTATGTCTGTTTTTTAGAGGATGAAGCATCTTCCCAAACTGATTTAAGCCAAACGATCT[C>T]AAAGAAAACTGTCAGGAGCATACAAGAGGCTCCAGGTAAGAATAGTTAACTTTTTGTTTT-3'
Protein context (NP_056417.2, residues 163-183): SSQTDLSQTI[Ser173Leu]KKTVRSIQEA